The following is an entry in ClinVar:

NM_001242896.3(DEPDC5):c.2848C>T (p.Pro950Ser)

Gene: DEPDC5 (DEP domain containing 5, GATOR1 subcomplex subunit; plus strand). Cytogenetic location: 22q12.3.
Variant type: single nucleotide variant.
Coding change: c.2848C>T on transcript NM_001242896.3 (MANE Select); coding-DNA position 2848, C replaced by T.
Protein change: p.Pro950Ser; replaces proline 950 with serine.
Molecular consequence: missense variant. On other transcripts: non-coding transcript variant (5).
Genome position (GRCh38, 1-based): chr22:31,845,064, C>T. VCF-style: chr22-31845064-C-T. GRCh37 (hg19) VCF-style: chr22-32241050-C-T.
Other names: c.2821C>T, p.Pro941Ser (NM_001136029.4, NM_001369903.1, NM_014662.6); c.2614C>T, p.Pro872Ser (NM_001242897.2, NM_001363854.2, NM_001364319.2); c.2848C>T, p.Pro950Ser (NM_001363852.2, NM_001364318.2, NM_001364320.2); c.2764C>T, p.Pro922Ser (NM_001369901.1, NM_001369902.1); short protein forms P872S, P922S, P941S, P950S.
Identifiers: ClinVar variation 2653082 (VCV002653082.24), dbSNP rs2520184683, ClinGen allele CA411291014.

ClinVar aggregate classification (germline): Uncertain significance (1 of 4 stars; one submission).

Submission:

CeGaT Center for Human Genetics Tuebingen
Classification: Uncertain significance. Last evaluated: 2022-08-01. Review status: criteria provided, single submitter. Criteria: CeGaT Center For Human Genetics Tuebingen Variant Classification Criteria Version 2. Collection method: clinical testing. Allele origin: germline. Affected: yes. Observed: 1 variant allele.
Comment: DEPDC5: PM2, PP3